The following is an entry in ClinVar:

ClinVar aggregate classification (germline): Pathogenic (1 of 4 stars; one submission).

Conditions:
Primary ciliary dyskinesia 3. Identifiers: Orphanet 244, MedGen C1837618, MONDO:0012085, OMIM 608644.

Submission:

Myriad Genetics, Inc.
Classification: Pathogenic for Primary ciliary dyskinesia 3. Last evaluated: 2024-05-14. Review status: criteria provided, single submitter. Criteria: Myriad Autosomal Dominant, Autosomal Recessive and X-Linked Classification Criteria (2023). Collection method: clinical testing. Allele origin: unknown.
Comment: NM_001369.2(DNAH5):c.9636delA(A3213Lfs*8) is expected to be pathogenic in the context of primary ciliary dyskinesia, DNAH5-related. This variant is predicted to lead to an abnormal or absent protein product due to the creation of a premature termination codon in DNAH5, a gene where loss-of-function variants are known to be pathogenic. Please note: this variant was assessed in the context of healthy population screening.

NM_001369.3(DNAH5):c.9636del (p.Ala3213fs)

Gene: DNAH5 (dynein axonemal heavy chain 5; minus strand). Cytogenetic location: 5p15.2.
Variant type: Deletion.
Coding change: c.9636del on transcript NM_001369.3 (MANE Select); coding-DNA position 9636, one base deleted (A; older notation c.9636delA).
Protein change: p.Ala3213fs; shifts the reading frame from alanine 3213.
Molecular consequence: frameshift variant.
Genome position (GRCh38, 1-based): chr5:13,769,585, T deleted on the plus strand (A on the coding strand, the reverse complement: DNAH5 is on the minus strand); the first of 2 consecutive T bases (chr5:13,769,585-13,769,586); deleting either gives the same sequence. VCF-style (leftmost placement, unchanged base first): chr5-13769584-CT-C. GRCh37 (hg19) VCF-style: chr5-13769693-CT-C.
Other names: short protein forms A3213fs.
Identifiers: ClinVar variation 5010828 (VCV005010828.1).